The following is an entry in ClinVar:

NM_015192.4(PLCB1):c.2413+6C>A

Gene: PLCB1 (phospholipase C beta 1; plus strand). Cytogenetic location: 20p12.3.
Variant type: single nucleotide variant.
Coding change: c.2413+6C>A on transcript NM_015192.4 (MANE Select); 6 bases into the intron after coding-DNA position 2413, C replaced by A.
Molecular consequence: intron variant.
Genome position (GRCh38, 1-based): chr20:8,740,454, C>A. VCF-style: chr20-8740454-C-A. GRCh37 (hg19) VCF-style: chr20-8721101-C-A.
Other names: c.2413+6C>A (NM_182734.3).
Identifiers: ClinVar variation 1911930 (VCV001911930.5), dbSNP rs750782625, ClinGen allele CA9760216.

ClinVar aggregate classification (germline): Uncertain significance (1 of 4 stars; one submission).

Conditions:
Developmental and epileptic encephalopathy, 12 (DEE12). Identifiers: MedGen C3150988, MONDO:0013389, OMIM 613722.

Allele frequency attached by ClinVar (database versions not stated): gnomAD exomes below 0.00001; ExAC 0.00001.
gnomAD v4.1: 3 of 1,466,974 alleles (0.0002%); highest among the groups gnomAD compares: South Asian, 0.0013%; no homozygotes.

Submission:

Labcorp Genetics (formerly Invitae), Labcorp
Classification: Uncertain significance for Developmental and epileptic encephalopathy, 12. Last evaluated: 2024-05-15. Review status: criteria provided, single submitter. Criteria: Invitae Variant Classification Sherloc (09022015). Collection method: clinical testing. Allele origin: germline.
Comment: This sequence change falls in intron 22 of the PLCB1 gene. It does not directly change the encoded amino acid sequence of the PLCB1 protein. It affects a nucleotide within the consensus splice site. The frequency data for this variant in the population databases is considered unreliable, as metrics indicate poor data quality at this position in the gnomAD database. This variant has not been reported in the literature in individuals affected with PLCB1-related conditions. ClinVar contains an entry for this variant (Variation ID: 1911930). Variants that disrupt the consensus splice site are a relatively common cause of aberrant splicing (PMID: 17576681, 9536098). Algorithms developed to predict the effect of sequence changes on RNA splicing suggest that this variant is not likely to affect RNA splicing. In summary, the available evidence is currently insufficient to determine the role of this variant in disease. Therefore, it has been classified as a Variant of Uncertain Significance.

Literature cited by the submitters: PubMed 17576681; PubMed 9536098.